The following is an entry in ClinVar:

ClinVar aggregate classification (germline): Pathogenic. Review status: criteria provided, multiple submitters, no conflicts (2 of 4 stars). 3 submissions from 3 submitters: Pathogenic (2). 1 of the submissions does not count toward it. Last evaluated 2023-04-07.

Conditions:
Cardiomyopathy (CMYO). Also called: Cardiomyopathies. Identifiers: Orphanet 167848, MedGen C0878544, MONDO:0004994, HP:0001638. Inheritance: Various modes of inheritance.
Dystrophin deficiency.
Duchenne muscular dystrophy (DMD). Also called: MUSCULAR DYSTROPHY, PSEUDOHYPERTROPHIC PROGRESSIVE, DUCHENNE TYPE; Duchenne Muscular Dystrophy (DMD). Identifiers: Orphanet 98896, MedGen C0013264, MONDO:0010679, OMIM 310200.
Becker muscular dystrophy (BMD). Also called: Becker Muscular Dystrophy (BMD); MUSCULAR DYSTROPHY, PSEUDOHYPERTROPHIC PROGRESSIVE, BECKER TYPE. Identifiers: Orphanet 98895, MedGen C0917713, MONDO:0010311, OMIM 300376.

Submissions (3):

Labcorp Genetics (formerly Invitae), Labcorp
Classification: Pathogenic for Duchenne muscular dystrophy. Last evaluated: 2023-04-07. Review status: criteria provided, single submitter. Criteria: Invitae Variant Classification Sherloc (09022015). Collection method: clinical testing. Allele origin: germline.
Comment: This sequence change creates a premature translational stop signal (p.Pro3409Serfs*24) in the DMD gene. It is expected to result in an absent or disrupted protein product. Loss-of-function variants in DMD are known to be pathogenic (PMID: 16770791, 25007885). In addition, truncating variants in exon 71 (p.Pro3409Tyr*22, p.Thr3411Asn*22, and p.Leu3412Argfs*7) that result in partial in-frame exon skipping have been observed in individuals with clinical features of mild Becker muscular dystrophy (PMID: 17041906, 23536893). This variant is not present in population databases (gnomAD no frequency). This premature translational stop signal has been observed in individuals with DMD-related conditions (PMID: 19937601, 20485447, 28318817). ClinVar contains an entry for this variant (Variation ID: 1073643). For these reasons, this variant has been classified as Pathogenic.

Mendelics
Classification: Pathogenic for Becker muscular dystrophy. Last evaluated: 2022-05-04. Review status: criteria provided, single submitter. Criteria: Mendelics Assertion Criteria 2019. Collection method: clinical testing. Allele origin: germline.

Natera, Inc.
Classification: Pathogenic for Becker muscular dystrophy; Cardiomyopathy; Duchenne muscular dystrophy; Dystrophin deficiency. Last evaluated: 2017-07-27. Review status: no assertion criteria provided. Collection method: clinical testing. Allele origin: germline. Not counted in ClinVar's aggregate classification.

Literature cited by the submitters: PubMed 16770791 (cited by Labcorp Genetics (formerly Invitae), Labcorp); PubMed 25007885 (cited by Labcorp Genetics (formerly Invitae), Labcorp); PubMed 17041906 (cited by Labcorp Genetics (formerly Invitae), Labcorp); PubMed 23536893 (cited by Labcorp Genetics (formerly Invitae), Labcorp); PubMed 19937601 (cited by Labcorp Genetics (formerly Invitae), Labcorp); PubMed 20485447 (cited by Labcorp Genetics (formerly Invitae), Labcorp); PubMed 28318817 (cited by Labcorp Genetics (formerly Invitae), Labcorp).

NM_004006.3(DMD):c.10224dup (p.Pro3409fs)

Gene: DMD (dystrophin; minus strand). Cytogenetic location: Xp21.2.
Variant type: Duplication.
Coding change: c.10224dup on transcript NM_004006.3 (MANE Select); coding-DNA position 10224, one base duplicated (T; older notation c.10224dupT).
Protein change: p.Pro3409fs; shifts the reading frame from proline 3409.
Molecular consequence: frameshift variant. On other transcripts: intron variant (5).
Genome position (GRCh38, 1-based): chrX:31,177,970, A duplicated on the plus strand (T on the coding strand, the reverse complement: DMD is on the minus strand). VCF-style (leftmost placement, unchanged base first): chrX-31177969-G-GA. GRCh37 (hg19) VCF-style: chrX-31196086-G-GA.
Other names: c.10200dup, p.Pro3401fs (NM_000109.4); c.10212dup, p.Pro3405fs (NM_004009.3); c.9855dup, p.Pro3286fs (NM_004010.3); c.6201dup, p.Pro2068fs (NM_004011.4); c.6192dup, p.Pro2065fs (NM_004012.4); c.2844dup, p.Pro949fs (NM_004013.3, NM_004021.3); c.2037dup, p.Pro680fs (NM_004014.3); c.1020dup, p.Pro341fs (NM_004015.3, NM_004016.3); and 2 more; short protein forms P2065fs, P2068fs, P3286fs, P3401fs, P3405fs, P3409fs, P341fs, P680fs.
Identifiers: ClinVar variation 1073643 (VCV001073643.11), dbSNP rs2148280837, ClinGen allele CA2499226618.
Genomic context (GRCh38, chrX:31,177,969, plus strand): 5'-CCTTCAGCAAAAAAAGTACTCACGCAGAATCTACTGGCCAGAAGTTGATCAGAGTAACGG[G>GA]ACTGCAAAACAAAAAATGAGGTGGTGAAGGAGACACACGCAAACTCAGCCGCAAAAAAAT-3'